The following is an entry in ClinVar:

ClinVar aggregate classification (germline): Likely benign (1 of 4 stars; one submission).

Conditions:
Diaphyseal medullary stenosis-bone malignancy syndrome. Also called: MYOPATHY, LIMB-GIRDLE, WITH BONE FRAGILITY; BONE DYSPLASIA WITH MALIGNANT FIBROUS HISTIOCYTOMA; BONE DYSPLASIA WITH MEDULLARY FIBROSARCOMA. Identifiers: Orphanet 85182, MedGen C1862177, MONDO:0007205, OMIM 112250.

gnomAD v4.1: 18 of 730,390 alleles (0.0025%); highest among the groups gnomAD compares: Admixed American, 0.0056%; no homozygotes.

Submission:

Centre for Medical Genetics,  Mumbai
Classification: Likely benign for Diaphyseal medullary stenosis-bone malignancy syndrome. Last evaluated: 2026-02-16. Review status: criteria provided, single submitter. Criteria: ACMG Guidelines, 2015. Collection method: provider interpretation. Allele origin: germline. Inheritance: Autosomal dominant inheritance. Affected: no. Observed: 1 heterozygote.
Comment: The variant satisfies PM2 criteria; Extremely low frequency in gnomAD population databases. However, the variant satisfies BS2 criteria.

Literature cited by the submitters: PubMed 22464254.

NM_001396041.1(MTAP):c.1000A>G (p.Ser334Gly)

Genes: ERVFRD-3 (endogenous retrovirus group FRD member 3; plus strand), MTAP (methylthioadenosine phosphorylase; plus strand). Cytogenetic location: 9p21.3.
Variant type: single nucleotide variant.
Coding change: c.1000A>G on transcript NM_001396041.1; coding-DNA position 1000, A replaced by G.
Protein change: p.Ser334Gly; replaces serine 334 with glycine.
Molecular consequence: missense variant. On other transcripts: intron variant (4).
Genome position (GRCh38, 1-based): chr9:21,931,194, A>G. VCF-style: chr9-21931194-A-G. GRCh37 (hg19) VCF-style: chr9-21931193-A-G.
Other names: c.922+78A>G (NM_001396044.1); c.814-7966A>G (NM_001396043.1); c.799+78A>G (NM_001396045.1); c.691-7966A>G (NM_001396042.1); short protein forms S334G.
Identifiers: ClinVar variation 4795840 (VCV004795840.1).